The following is an entry in ClinVar:

ClinVar aggregate classification (germline): Uncertain significance. Review status: criteria provided, multiple submitters, no conflicts (2 of 4 stars). 2 submissions from 2 submitters: Uncertain significance (2). Last evaluated 2025-07-19.

Conditions:
Baller-Gerold syndrome (BGS). Also called: CRANIOSYNOSTOSIS WITH RADIAL DEFECTS. Identifiers: Orphanet 1225, MedGen C0265308, MONDO:0009039, OMIM 218600.
Inborn genetic diseases. Identifiers: MedGen C0950123, MeSH D030342.

Allele frequency attached by ClinVar (database versions not stated): gnomAD exomes below 0.00001 and 0.00001; ExAC 0.00001.
gnomAD v4.1: 11 of 1,612,944 alleles (0.00068%); highest among the groups gnomAD compares: African/African-American, 0.0013%; no homozygotes.

Submissions (2):

Ambry Genetics
Classification: Uncertain significance for Inborn genetic diseases. Last evaluated: 2025-07-19. Review status: criteria provided, single submitter. Criteria: Ambry Variant Classification Scheme 2023. Collection method: clinical testing. Allele origin: germline.
Comment: The p.V294A variant (also known as c.881T>C), located in coding exon 5 of the RECQL4 gene, results from a T to C substitution at nucleotide position 881. The valine at codon 294 is replaced by alanine, an amino acid with similar properties. This amino acid position is conserved. In addition, this alteration is predicted to be tolerated by in silico analysis. Based on the available evidence, the clinical significance of this variant remains unclear.

Labcorp Genetics (formerly Invitae), Labcorp
Classification: Uncertain significance for Baller-Gerold syndrome. Last evaluated: 2023-09-19. Review status: criteria provided, single submitter. Criteria: Invitae Variant Classification Sherloc (09022015). Collection method: clinical testing. Allele origin: germline.
Comment: In summary, the available evidence is currently insufficient to determine the role of this variant in disease. Therefore, it has been classified as a Variant of Uncertain Significance. Experimental studies and prediction algorithms are not available or were not evaluated, and the functional significance of this variant is currently unknown. ClinVar contains an entry for this variant (Variation ID: 1385968). This variant has not been reported in the literature in individuals affected with RECQL4-related conditions. This variant is present in population databases (rs766346414, gnomAD 0.0009%). This sequence change replaces valine, which is neutral and non-polar, with alanine, which is neutral and non-polar, at codon 294 of the RECQL4 protein (p.Val294Ala).

NM_004260.4(RECQL4):c.881T>C (p.Val294Ala)

Gene: RECQL4 (RecQ like helicase 4; minus strand). Cytogenetic location: 8q24.3.
Variant type: single nucleotide variant.
Coding change: c.881T>C on transcript NM_004260.4 (MANE Select); coding-DNA position 881, T replaced by C.
Protein change: p.Val294Ala; replaces valine 294 with alanine.
Molecular consequence: missense variant.
Genome position (GRCh38, 1-based): chr8:144,516,238, A>G on the plus strand (T>C on the coding strand, the complement: RECQL4 is on the minus strand). VCF-style: chr8-144516238-A-G. GRCh37 (hg19) VCF-style: chr8-145741622-A-G.
Other names: c.881T>C (NM_004260.3); short protein forms V294A.
Identifiers: ClinVar variation 1385968 (VCV001385968.8), dbSNP rs766346414, ClinGen allele CA4949157.